The following is an entry in ClinVar:

NM_054012.4(ASS1):c.605C>T (p.Ala202Val)

Gene: ASS1 (argininosuccinate synthase 1; plus strand). Cytogenetic location: 9q34.11.
Variant type: single nucleotide variant.
Coding change: c.605C>T on transcript NM_054012.4 (MANE Select); coding-DNA position 605, C replaced by T.
Protein change: p.Ala202Val; replaces alanine 202 with valine.
Molecular consequence: missense variant.
Genome position (GRCh38, 1-based): chr9:130,476,878, C>T. VCF-style: chr9-130476878-C-T. GRCh37 (hg19) VCF-style: chr9-133352265-C-T.
Other names: c.605C>T, p.Ala202Val (NM_000050.4); short protein forms A202V.
Identifiers: ClinVar variation 3353737 (VCV003353737.3).

ClinVar aggregate classification (germline): Conflicting classifications of pathogenicity. Review status: criteria provided, conflicting classifications (1 of 4 stars). 2 submissions from 2 submitters: Likely pathogenic (1); Uncertain significance (1). Last evaluated 2026-03-16.

Conditions:
ASS1-related disorder. Also called: ASS1-related condition.

gnomAD v4.1: 25 of 1,613,856 alleles (0.0015%); highest among the groups gnomAD compares: East Asian, 0.0022%; no homozygotes.

Submissions (2):

GeneDx
Classification: Uncertain significance. Last evaluated: 2026-03-16. Review status: criteria provided, single submitter. Criteria: GeneDx Variant Classification Process June 2021. Collection method: clinical testing. Allele origin: germline.
Comment: Not observed at significant frequency in large population cohorts (gnomAD); In silico analysis supports that this missense variant has a deleterious effect on protein structure/function; Has not been previously published as pathogenic or benign to our knowledge

PreventionGenetics, part of Exact Sciences
Classification: Likely pathogenic for ASS1-related condition. Last evaluated: 2025-04-19. Review status: criteria provided, single submitter. Criteria: ACMG Guidelines, 2015. Collection method: clinical testing. Allele origin: germline.
Comment: The ASS1 c.605C>T variant is predicted to result in the amino acid substitution p.Ala202Val. To our knowledge, this variant has not been reported in the literature. An alternate substitution of this amino acid residue (p.Ala202Glu) has been reported along with a second ASS1 variant in an individual with citrullinemia (Haberle et al. 2003. PubMed ID: 14680976). This variant is present in 0.0054% of alleles in individuals of East Asian descent in gnomAD. Given the evidence, we interpret this variant as likely pathogenic.